The following is an entry in ClinVar:

NM_001281740.3(FHOD3):c.238C>T (p.Arg80Trp)

Gene: FHOD3 (formin homology 2 domain containing 3; plus strand). Cytogenetic location: 18q12.2.
Variant type: single nucleotide variant.
Coding change: c.238C>T on transcript NM_001281740.3 (MANE Select); coding-DNA position 238, C replaced by T.
Protein change: p.Arg80Trp; replaces arginine 80 with tryptophan.
Molecular consequence: missense variant.
Genome position (GRCh38, 1-based): chr18:36,355,611, C>T. VCF-style: chr18-36355611-C-T. GRCh37 (hg19) VCF-style: chr18-33935574-C-T.
Other names: c.238C>T (NM_001281740.2, NM_025135.2); c.238C>T, p.Arg80Trp (NM_001281739.3, NM_025135.5); short protein forms R80W.
Identifiers: ClinVar variation 1299872 (VCV001299872.19), dbSNP rs199791578, ClinGen allele CA8941193.

ClinVar aggregate classification (germline): Conflicting classifications of pathogenicity. Review status: criteria provided, conflicting classifications (1 of 4 stars). 6 submissions from 6 submitters: Uncertain significance (2); Likely benign (2). 2 of the submissions do not count toward it. Last evaluated 2026-01-27.

Conditions:
Inborn genetic diseases. Identifiers: MedGen C0950123, MeSH D030342.
FHOD3-related disorder. Also called: FHOD3-related condition.

Allele frequency attached by ClinVar (database versions not stated): TOPMed 0.00012; ExAC 0.00015; gnomAD exomes 0.00019 and 0.00022; ESP Exome Variant Server 0.00023; gnomAD 0.00017 and 0.00018.
gnomAD v4.1: 342 of 1,613,946 alleles (0.021%); highest among the groups gnomAD compares: Non-Finnish European, 0.023%; no homozygotes.

Submissions (6):

PreventionGenetics, part of Exact Sciences
Classification: Likely benign for FHOD3-related condition. Last evaluated: 2026-01-27. Review status: criteria provided, single submitter. Criteria: ACMG Guidelines, 2015. Collection method: clinical testing. Allele origin: germline.
Comment: This variant is classified as likely benign based on ACMG/AMP sequence variant interpretation guidelines (Richards et al. 2015 PMID: 25741868, with internal and published modifications).

CeGaT Center for Human Genetics Tuebingen
Classification: Uncertain significance. Last evaluated: 2025-01-01. Review status: criteria provided, single submitter. Criteria: CeGaT Center For Human Genetics Tuebingen Variant Classification Criteria Version 2. Collection method: clinical testing. Allele origin: germline. Affected: yes. Observed: 1 variant allele.

Blueprint Genetics
Classification: Likely benign. Last evaluated: 2024-05-03. Review status: criteria provided, single submitter. Criteria: ACMG Guidelines, 2015. Collection method: clinical testing. Allele origin: germline.

Ambry Genetics
Classification: Uncertain significance for Inborn genetic diseases. Last evaluated: 2021-07-14. Review status: criteria provided, single submitter. Criteria: Ambry Variant Classification Scheme 2023. Collection method: clinical testing. Allele origin: germline.

Clinical Genetics DNA and cytogenetics Diagnostics Lab, Erasmus MC, Erasmus Medical Center
Classification: Uncertain significance. Review status: no assertion criteria provided. Collection method: clinical testing. Allele origin: germline. Affected: yes. Study: VKGL Data-share Consensus. Not counted in ClinVar's aggregate classification.

Diagnostic Laboratory, Department of Genetics, University Medical Center Groningen
Classification: Uncertain significance. Review status: no assertion criteria provided. Collection method: clinical testing. Allele origin: germline. Affected: yes. Study: VKGL Data-share Consensus. Not counted in ClinVar's aggregate classification.